The following is an entry in ClinVar:

ClinVar aggregate classification (germline): Conflicting classifications of pathogenicity. Review status: criteria provided, conflicting classifications (1 of 4 stars). 3 submissions from 3 submitters: Likely pathogenic (2); Uncertain significance (1). Last evaluated 2025-02-10.

Conditions:
BNAR syndrome. Also called: Bifid Nose With or Without Anorectal and Renal Anomalies (BNAR) Syndrome. Identifiers: Orphanet 217266, MedGen C2750433, MONDO:0012165, OMIM 608980.
Trigonocephaly 2 (TRIGNO2). Identifiers: Orphanet 3366, MedGen C3280974, MONDO:0013774, OMIM 614485.
Oculotrichoanal syndrome (MOTA). Also called: MARLES SYNDROME; Manitoba Oculotrichoanal (MOTA) Syndrome. Identifiers: Orphanet 2717, MedGen C1855425, MONDO:0009560, OMIM 248450.

Allele frequency attached by ClinVar (database versions not stated): TOPMed below 0.00001; gnomAD 0.00001; ExAC 0.00002.
gnomAD v4.1: 2 of 1,542,116 alleles (0.00013%); highest among the groups gnomAD compares: East Asian, 0.0045%; no homozygotes.

Submissions (3):

The Central Laboratory of Birth Defects Prevention and Control, The Affiliated Women and Children's Hospital of Ningbo University
Classification: Likely pathogenic for BNAR syndrome. Last evaluated: 2025-02-10. Review status: criteria provided, single submitter. Criteria: ACMG Guidelines, 2015. Collection method: clinical testing, in vitro, in vivo. Allele origin: biparental, not applicable. Inheritance: Autosomal recessive inheritance. Affected: yes. Functional consequence: sequence_variant_causes_exon_loss.
Comment: In vitro and in vivo experiments demonstrate that NM_001379081.2 c.3274+4A>G results in exon 18 skipping, which don't disrupt the reading frame, but results in an internal loss of 62aa and may produce a truncated protein with a length of 2117aa (PVS1_Moderate). The allele frequency of this variant is 1.385e-05 of East Asian chromosomes by the Genome Aggregation Database (PM2_ Supporting). In summary, this variant meets criteria to be classified as likely pathogenic for BNAR based on the ACMG/AMP criteria applied, as specified by the ClinGen FREM1 VCEP: PVS1_Moderate, PM2_Supporting, PM3, PP4.

CeGaT Center for Human Genetics Tuebingen
Classification: Likely pathogenic. Last evaluated: 2021-05-01. Review status: criteria provided, single submitter. Criteria: CeGaT Center For Human Genetics Tuebingen Variant Classification Criteria Version 2. Collection method: clinical testing. Allele origin: germline. Affected: yes. Observed: 1 variant allele.

Juno Genomics, Hangzhou Juno Genomics, Inc
Classification: Uncertain significance for BNAR syndrome; Oculotrichoanal syndrome; Trigonocephaly 2. Review status: criteria provided, single submitter. Criteria: ACMG Guidelines, 2015. Collection method: clinical testing. Allele origin: germline. Affected: yes.
Comment: Absent from controls (or at extremely low frequency if recessive) in Genome Aggregation Database, Exome Sequencing Project, 1000 Genomes Project, or Exome Aggregation Consortium.;For recessive disorders, detected in trans with a pathogenic variant.;Multiple lines of computational evidence support a deleterious effect on the gene or gene product (conservation, evolutionary, splicing impact, etc).

NM_001379081.2(FREM1):c.3274+4A>G

Gene: FREM1 (FRAS1 related extracellular matrix 1; minus strand). Cytogenetic location: 9p22.3.
Variant type: single nucleotide variant.
Coding change: c.3274+4A>G on transcript NM_001379081.2 (MANE Select); 4 bases into the intron after coding-DNA position 3274, A replaced by G.
Molecular consequence: intron variant.
Genome position (GRCh38, 1-based): chr9:14,806,657, T>C on the plus strand (A>G on the coding strand, the complement: FREM1 is on the minus strand). VCF-style: chr9-14806657-T-C. GRCh37 (hg19) VCF-style: chr9-14806655-T-C.
Other names: c.3274+4A>G (NM_144966.7).
Identifiers: ClinVar variation 1176898 (VCV001176898.38), dbSNP rs761999855, ClinGen allele CA4990637.